The following is an entry in ClinVar:

NM_032447.5(FBN3):c.1486A>G (p.Ser496Gly)

Gene: FBN3 (fibrillin 3; minus strand). Cytogenetic location: 19p13.2.
Variant type: single nucleotide variant.
Coding change: c.1486A>G on transcript NM_032447.5 (MANE Select); coding-DNA position 1486, A replaced by G.
Protein change: p.Ser496Gly; replaces serine 496 with glycine.
Molecular consequence: missense variant.
Genome position (GRCh38, 1-based): chr19:8,136,066, T>C on the plus strand (A>G on the coding strand, the complement: FBN3 is on the minus strand). VCF-style: chr19-8136066-T-C. GRCh37 (hg19) VCF-style: chr19-8200950-T-C.
Other names: c.1486A>G, p.Ser496Gly (NM_001321431.2); short protein forms S496G.
Identifiers: ClinVar variation 1935914 (VCV001935914.5), dbSNP rs376676284, ClinGen allele CA304953495.

ClinVar aggregate classification (germline): Uncertain significance (1 of 4 stars; one submission).

Allele frequency attached by ClinVar (database versions not stated): gnomAD exomes below 0.00001.
gnomAD v4.1: 11 of 1,613,902 alleles (0.00068%); highest among the groups gnomAD compares: African/African-American, 0.008%; no homozygotes.

Submission:

Labcorp Genetics (formerly Invitae), Labcorp
Classification: Uncertain significance. Last evaluated: 2022-08-06. Review status: criteria provided, single submitter. Criteria: Invitae Variant Classification Sherloc (09022015). Collection method: clinical testing. Allele origin: germline.
Comment: In summary, the available evidence is currently insufficient to determine the role of this variant in disease. Therefore, it has been classified as a Variant of Uncertain Significance. Algorithms developed to predict the effect of missense changes on protein structure and function output the following: SIFT: "Not Available"; PolyPhen-2: "Benign"; Align-GVGD: "Not Available". The glycine amino acid residue is found in multiple mammalian species, which suggests that this missense change does not adversely affect protein function. This variant has not been reported in the literature in individuals affected with FBN3-related conditions. This variant is not present in population databases (gnomAD no frequency). This sequence change replaces serine, which is neutral and polar, with glycine, which is neutral and non-polar, at codon 496 of the FBN3 protein (p.Ser496Gly).